The following is an entry in ClinVar:

NM_015295.3(SMCHD1):c.5545G>A (p.Glu1849Lys)

Gene: SMCHD1 (structural maintenance of chromosomes flexible hinge domain containing 1; plus strand). Cytogenetic location: 18p11.32.
Variant type: single nucleotide variant.
Coding change: c.5545G>A on transcript NM_015295.3 (MANE Select); coding-DNA position 5545, G replaced by A.
Protein change: p.Glu1849Lys; replaces glutamic acid 1849 with lysine.
Molecular consequence: missense variant.
Genome position (GRCh38, 1-based): chr18:2,778,237, G>A. VCF-style: chr18-2778237-G-A. GRCh37 (hg19) VCF-style: chr18-2778235-G-A.
Other names: short protein forms E1849K.
Identifiers: ClinVar variation 2436179 (VCV002436179.6), dbSNP rs776455179, ClinGen allele CA8871739.

ClinVar aggregate classification (germline): Uncertain significance. Review status: criteria provided, multiple submitters, no conflicts (2 of 4 stars). 2 submissions from 2 submitters: Uncertain significance (2). Last evaluated 2023-12-17.

Conditions:
Facioscapulohumeral muscular dystrophy 2 (FSHD2). Also called: FACIOSCAPULOHUMERAL MUSCULAR DYSTROPHY 2, DIGENIC; FSHD2, DIGENIC; MUSCULAR DYSTROPHY, FACIOSCAPULOHUMERAL, TYPE 1B. Identifiers: Orphanet 269, MedGen C1834671, MONDO:0008031, OMIM 158901.

Allele frequency attached by ClinVar (database versions not stated): TOPMed below 0.00001; ExAC 0.00001; gnomAD exomes 0.00004.
gnomAD v4.1: 52 of 1,602,008 alleles (0.0032%); highest among the groups gnomAD compares: Non-Finnish European, 0.0044%; no homozygotes.

Submissions (2):

Labcorp Genetics (formerly Invitae), Labcorp
Classification: Uncertain significance for Facioscapulohumeral muscular dystrophy 2. Last evaluated: 2023-12-17. Review status: criteria provided, single submitter. Criteria: Invitae Variant Classification Sherloc (09022015). Collection method: clinical testing. Allele origin: germline.
Comment: This sequence change replaces glutamic acid, which is acidic and polar, with lysine, which is basic and polar, at codon 1849 of the SMCHD1 protein (p.Glu1849Lys). The frequency data for this variant in the population databases is considered unreliable, as metrics indicate poor data quality at this position in the gnomAD database. This variant has not been reported in the literature in individuals affected with SMCHD1-related conditions. ClinVar contains an entry for this variant (Variation ID: 2436179). An algorithm developed to predict the effect of missense changes on protein structure and function (PolyPhen-2) suggests that this variant is likely to be disruptive. In summary, the available evidence is currently insufficient to determine the role of this variant in disease. Therefore, it has been classified as a Variant of Uncertain Significance.

Revvity Omics, Revvity
Classification: Uncertain significance. Last evaluated: 2020-02-28. Review status: criteria provided, single submitter. Criteria: ACMG Guidelines, 2015. Collection method: clinical testing. Allele origin: germline.